The following is an entry in ClinVar:

NM_024649.5(BBS1):c.1645G>T (p.Glu549Ter)

Genes: BBS1 (Bardet-Biedl syndrome 1; plus strand), ZDHHC24 (zDHHC palmitoyltransferase 24; minus strand). Cytogenetic location: 11q13.2.
Variant type: single nucleotide variant.
Coding change: c.1645G>T on transcript NM_024649.5 (MANE Select); coding-DNA position 1645, G replaced by T.
Protein change: p.Glu549Ter; replaces glutamic acid 549 with a stop codon.
Molecular consequence: nonsense. On other transcripts: intron variant (1).
Genome position (GRCh38, 1-based): chr11:66,531,692, G>T. VCF-style: chr11-66531692-G-T. GRCh37 (hg19) VCF-style: chr11-66299163-G-T.
Other names: NM_024649.5(BBS1):c.1645G>T; p.Glu549Ter; c.560-2204C>A (NM_001348571.2); short protein forms E549*.
Identifiers: ClinVar variation 12144 (VCV000012144.33), dbSNP rs121917777, ClinGen allele CA256226.

ClinVar aggregate classification (germline): Pathogenic. Review status: criteria provided, multiple submitters, no conflicts (2 of 4 stars). 12 submissions from 11 submitters: Pathogenic (10). 2 of the submissions do not count toward it. Last evaluated 2025-12-23.

Conditions:
BBS1-related disorder. Also called: BBS1-related condition.
Inborn genetic diseases. Identifiers: MedGen C0950123, MeSH D030342.
Retinitis pigmentosa (RP). Identifiers: Orphanet 791, MedGen C0035334, MeSH D012174, MONDO:0019200, OMIM 268000. Inheritance: Autosomal dominant, autosomal recessive and X linked inheritance.
Bardet-Biedl syndrome (BBS). Identifiers: Orphanet 110, MedGen C0752166, MONDO:0015229.
Bardet-Biedl syndrome 1 (BBS1). Identifiers: MedGen C2936862, MONDO:0008854, OMIM 209900. Disease mechanism: loss of function.

Allele frequency attached by ClinVar (database versions not stated): 1000 Genomes Project 0.00020; gnomAD 0.00012 and 0.00011; TOPMed 0.00018; 1000 Genomes Project 30x 0.00031.
gnomAD v4.1: 33 of 1,614,116 alleles (0.002%); highest among the groups gnomAD compares: Admixed American, 0.043%; no homozygotes.

Submissions (12):

PreventionGenetics, part of Exact Sciences
Classification: Pathogenic for BBS1-related condition. Last evaluated: 2025-12-23. Review status: criteria provided, single submitter. Criteria: ACMG Guidelines, 2015. Collection method: clinical testing. Allele origin: germline.
Comment: The BBS1 c.1645G>T variant is predicted to result in premature protein termination (p.Glu549*). This variant has been reported many times along with a second known causative variant or in the homozygous state in individuals with Bardet-Biedl syndrome or suspected non-syndromic retinitis pigmentosa (see for examples Mykytyn et al. 2002. PubMed ID: 12118255; Wang et al. 2016. PubMed ID: 27788217). This variant is reported in 0.0087% of alleles in individuals of Latino descent in gnomAD. Nonsense variants in BBS1 are expected to be pathogenic, and this variant has been classified as pathogenic by the majority of submitters to the ClinVar database. Given the evidence, we interpret c.1645G>T (p.Glu549*) as pathogenic.

Labcorp Genetics (formerly Invitae), Labcorp
Classification: Pathogenic for Bardet-Biedl syndrome. Last evaluated: 2025-09-05. Review status: criteria provided, single submitter. Criteria: Invitae Variant Classification Sherloc (09022015). Collection method: clinical testing. Allele origin: germline.
Comment: This sequence change creates a premature translational stop signal (p.Glu549*) in the BBS1 gene. It is expected to result in an absent or disrupted protein product. Loss-of-function variants in BBS1 are known to be pathogenic (PMID: 12118255, 21520335, 27032803). This variant is present in population databases (rs121917777, gnomAD 0.009%). This premature translational stop signal has been observed in individual(s) with Bardet-Biedl syndrome (PMID: 12118255, 15770229, 16327777, 21517826, 21642631, 22410627, 24746959). ClinVar contains an entry for this variant (Variation ID: 12144). Algorithms developed to predict the effect of sequence changes on RNA splicing suggest that this variant may disrupt the consensus splice site. For these reasons, this variant has been classified as Pathogenic.

Natera, Inc.
Classification: Pathogenic for Bardet-Biedl syndrome type 1. Last evaluated: 2025-07-25. Review status: criteria provided, single submitter. Criteria: Natera Variant Classification Schema (03/2026). Collection method: clinical testing. Allele origin: germline.
Comment: The c.1645G>T variant in BBS1 is a nonsense variant predicted to introduce a stop codon at amino acid 549. This variant is expected to result in nonsense mediated decay, truncation, or a dysfunctional protein product. This variant is rare in the general population with a frequency below the threshold expected for the associated phenotype(s). This variant has been observed in one or more individuals affected with the associated recessive disease, as either homozygous or compound heterozygous with a second variant (PMID: 12118255). Additionally, this variant has been observed to segregate in affected family members (PMID: 12118255). Given the available evidence, this variant is classified as Pathogenic.

Women's Health and Genetics/Laboratory Corporation of America, LabCorp
Classification: Pathogenic for Bardet-Biedl syndrome. Last evaluated: 2025-03-05. Review status: criteria provided, single submitter. Criteria: LabCorp Variant Classification Summary - May 2015. Collection method: clinical testing. Allele origin: germline.
Comment: Variant summary: BBS1 c.1645G>T (p.Glu549X) results in a premature termination codon, predicted to cause a truncation of the encoded protein. The variant allele was found at a frequency of 1.6e-05 in 251488 control chromosomes. c.1645G>T has been reported in the literature in multiple individuals affected with Bardet-Biedl Syndrome (Mykytyn_2002, Hichri_2005). These data indicate that the variant is very likely to be associated with disease. To our knowledge, no experimental evidence demonstrating an impact on protein function has been reported. The following publications have been ascertained in the context of this evaluation (PMID: 12118255, 15770229). ClinVar contains an entry for this variant (Variation ID: 12144). Based on the evidence outlined above, the variant was classified as pathogenic.

Fulgent Genetics
Classification: Pathogenic for Bardet-Biedl syndrome 1. Last evaluated: 2024-06-04. Review status: criteria provided, single submitter. Criteria: ACMG Guidelines, 2015. Collection method: clinical testing. Allele origin: germline.

GeneDx
Classification: Pathogenic. Last evaluated: 2024-04-09. Review status: criteria provided, single submitter. Criteria: GeneDx Variant Classification Process June 2021. Collection method: clinical testing. Allele origin: germline. Affected: yes.
Comment: Nonsense variant predicted to result in protein truncation, as the last 45 amino acids are lost, and other loss-of-function variants have been reported downstream in HGMD; This variant is associated with the following publications: (PMID: 27788217, 21642631, 12118255, 21517826, 12677556, 16327777, 22410627, 24746959, 15770229, 31589614, 34792930, 32037395, 31345219, 35835773, 35119454, 37588308, 34526762)

Broad Center for Mendelian Genomics, Broad Institute of MIT and Harvard
Classification: Pathogenic for Bardet-Biedl syndrome 1. Last evaluated: 2022-05-04. Review status: criteria provided, single submitter. Criteria: ACMG Guidelines, 2015. Collection method: curation. Allele origin: germline. Inheritance: Autosomal recessive inheritance.
Comment: The variant has been reported in at least 11 Puerto Rican and French individuals with Bardet-Biedl syndrome 1 (PMID: 12118255, 21517826, 24746959, 29641573, 15770229, 16327777), segregated with disease in 2 affected relatives from 2 families (PMID: 15770229, 16327777) and has been identified in 0.009% (3/34584) of Latino chromosomes by the Genome Aggregation Database (gnomAD; dbSNP ID: rs121917777). Although this variant has been seen in the general population, its frequency is low enough to be consistent with a recessive carrier frequency. This variant has also been reported in ClinVar (Variation ID: 12144) as pathogenic by OMIM, Invitae, GeneDx, and Integrated Genetics/Laboratory Corporation of America, and as likely pathogenic by Counsyl. This nonsense variant leads to a premature termination codon at position 549. This alteration occurs within the terminal 50 bases of the second to last exon and is more likely to escape nonsense mediated decay (NMD) and result in a truncated protein. Loss of function of the BBS1 gene is an established disease mechanism in autosomal recessive Bardet-Biedl syndrome 1. The presence of this variant in at least 2 affected homozygotes, in combination with a reported pathogenic variant, and in at least 11 individuals with Bardet-Biedl syndrome 1 increases the likelihood that the p.Glu549Ter variant is pathogenic (VariationID: 12143; PMID: 12118255). In summary, this variant meets criteria to be classified as pathogenic for autosomal recessive Bardet-Biedl Syndrome 1. ACMG/AMP Criteria applied: PM3_very-strong, PP1_moderate, PM2, PVS1_moderate (Richards 2015).

Blueprint Genetics
Classification: Pathogenic for BBS1-related disorders. Last evaluated: 2022-01-31. Review status: criteria provided, single submitter. Criteria: ACMG Guidelines, 2015. Collection method: clinical testing. Allele origin: germline. Affected: yes. Observed: 5 variant alleles.

Ambry Genetics
Classification: Pathogenic for Inborn genetic diseases. Last evaluated: 2021-11-12. Review status: criteria provided, single submitter. Criteria: Ambry Variant Classification Scheme 2023. Collection method: clinical testing. Allele origin: germline.
Comment: The c.1645G>T (p.E549*) alteration, located in exon 16 (coding exon 16) of the BBS1 gene, consists of a G to T substitution at nucleotide position 1645. This changes the amino acid from a glutamic acid (E) to a stop codon at amino acid position 549. This alteration occurs at the 3' terminus of the BBS1 gene, is not expected to trigger nonsense-mediated mRNA decay, and only impacts the last 45/593 amino acids (7.6%) of the protein. Premature stop codons are typically deleterious in nature and a significant portion of the protein is affected (Ambry internal data). This alteration has been reported in the homozygous state and compound heterozygous state with various second disease-causing alterations in multiple patients with Bardet-Biedl syndrome (Mykytyn, 2002; Chen, 2011; Lindstrand, 2014; Sanchez-Navarro, 2018; Guardiola, 2021). Based on the available evidence, this alteration is classified as pathogenic.

Broad Center for Mendelian Genomics, Broad Institute of MIT and Harvard
Classification: Pathogenic for Retinitis pigmentosa. Last evaluated: 2021-04-01. Review status: criteria provided, single submitter. Criteria: ACMG Guidelines, 2015. Collection method: curation. Allele origin: germline. Inheritance: Autosomal recessive inheritance. Affected: yes.
Comment: Through a review of available evidence we were able to apply the following criteria: PVS1, PS1, PM2. Based on this evidence we have classified this variant as Pathogenic. If you have any questions about the classification please reach out to the Pierce Lab.

OMIM
Classification: Pathogenic for BARDET-BIEDL SYNDROME 1. Last evaluated: 2025-06-12. Review status: no assertion criteria provided. Collection method: literature only. Allele origin: germline. Not counted in ClinVar's aggregate classification.

Counsyl
Classification: Likely pathogenic for Bardet-Biedl syndrome. Last evaluated: 2014-06-25. Review status: no assertion criteria provided. Collection method: literature only. Allele origin: unknown. Inheritance: Autosomal recessive inheritance. Not counted in ClinVar's aggregate classification.

Literature cited by the submitters: PubMed 12118255 (cited by 5 submitters); PubMed 21520335 (cited by Labcorp Genetics (formerly Invitae), Labcorp); PubMed 27032803 (cited by Labcorp Genetics (formerly Invitae), Labcorp); PubMed 15770229 (cited by 3 submitters); PubMed 16327777 (cited by Labcorp Genetics (formerly Invitae), Labcorp and Counsyl); PubMed 21517826 (cited by Labcorp Genetics (formerly Invitae), Labcorp and Counsyl); PubMed 21642631 (cited by 3 submitters); PubMed 22410627 (cited by Labcorp Genetics (formerly Invitae), Labcorp and Counsyl); PubMed 24746959 (cited by Labcorp Genetics (formerly Invitae), Labcorp and Ambry Genetics); PubMed 29588463 (cited by Ambry Genetics); PubMed 34526762 (cited by Ambry Genetics); PubMed 34906470 (cited by Broad Center for Mendelian Genomics, Broad Institute of MIT and Harvard); Mykytyn, K. Personal Communication. 2002. Iowa City, Iowa (cited by OMIM); PubMed 12677556 (cited by Counsyl).